The following is an entry in ClinVar:

ClinVar aggregate classification (germline): Uncertain significance (1 of 4 stars; one submission).

Submission:

Labcorp Genetics (formerly Invitae), Labcorp
Classification: Uncertain significance. Last evaluated: 2024-10-08. Review status: criteria provided, single submitter. Criteria: Invitae Variant Classification Sherloc (09022015). Collection method: clinical testing. Allele origin: germline.
Comment: This sequence change replaces proline, which is neutral and non-polar, with leucine, which is neutral and non-polar, at codon 1958 of the TRRAP protein (p.Pro1958Leu). This variant is present in population databases (rs140008613, gnomAD 0.003%). This variant has not been reported in the literature in individuals affected with TRRAP-related conditions. Invitae Evidence Modeling of protein sequence and biophysical properties (such as structural, functional, and spatial information, amino acid conservation, physicochemical variation, residue mobility, and thermodynamic stability) indicates that this missense variant is expected to disrupt TRRAP protein function with a positive predictive value of 80%. In summary, the available evidence is currently insufficient to determine the role of this variant in disease. Therefore, it has been classified as a Variant of Uncertain Significance.

NM_001375524.1(TRRAP):c.5948C>T (p.Pro1983Leu)

Gene: TRRAP (transformation/transcription domain associated protein; plus strand). Cytogenetic location: 7q22.1.
Variant type: single nucleotide variant.
Coding change: c.5948C>T on transcript NM_001375524.1 (MANE Select); coding-DNA position 5948, C replaced by T.
Protein change: p.Pro1983Leu; replaces proline 1983 with leucine.
Molecular consequence: missense variant.
Genome position (GRCh38, 1-based): chr7:98,956,156, C>T. VCF-style: chr7-98956156-C-T. GRCh37 (hg19) VCF-style: chr7-98553779-C-T.
Other names: c.5927C>T, p.Pro1976Leu (NM_001244580.2); c.5873C>T, p.Pro1958Leu (NM_003496.4); short protein forms P1976L, P1983L, P1958L.
Identifiers: ClinVar variation 3685576 (VCV003685576.2).